The following is an entry in ClinVar:

NM_025059.4(CCDC170):c.2076C>G (p.Thr692=)

Gene: CCDC170 (coiled-coil domain containing 170; plus strand). Cytogenetic location: 6q25.1.
Variant type: single nucleotide variant.
Coding change: c.2076C>G on transcript NM_025059.4 (MANE Select); coding-DNA position 2076, C replaced by G.
Protein change: p.Thr692=; no amino-acid change (threonine 692 retained).
Molecular consequence: synonymous variant.
Genome position (GRCh38, 1-based): chr6:151,618,075, C>G. VCF-style: chr6-151618075-C-G. GRCh37 (hg19) VCF-style: chr6-151939210-C-G.
Identifiers: ClinVar variation 2673085 (VCV002673085.23), dbSNP rs143566047, ClinGen allele CA4052029.

ClinVar aggregate classification (germline): Likely benign (1 of 4 stars; one submission).

Allele frequency attached by ClinVar (database versions not stated): 1000 Genomes Project 0.00120; gnomAD 0.00141; ESP Exome Variant Server 0.00202; ExAC 0.00210; TOPMed 0.00099; 1000 Genomes Project 30x 0.00109.
gnomAD v4.1: 2,955 of 1,614,142 alleles (0.18%); highest among the groups gnomAD compares: Non-Finnish European, 0.21%; 4 homozygotes.

Submission:

CeGaT Center for Human Genetics Tuebingen
Classification: Likely benign. Last evaluated: 2023-11-01. Review status: criteria provided, single submitter. Criteria: CeGaT Center For Human Genetics Tuebingen Variant Classification Criteria Version 2. Collection method: clinical testing. Allele origin: germline. Affected: yes. Observed: 1 variant allele.
Comment: CCDC170: BP4